The following is an entry in ClinVar:

ClinVar aggregate classification (germline): Conflicting classifications of pathogenicity. Review status: criteria provided, conflicting classifications (1 of 4 stars). 5 submissions from 5 submitters: Uncertain significance (1); Likely benign (4). Last evaluated 2025-08-23.

Conditions:
Charcot-Marie-Tooth disease axonal type 2N (CMT2N). Also called: Charcot-Marie-Tooth Neuropathy Type 2N; CHARCOT-MARIE-TOOTH DISEASE, AXONAL, AUTOSOMAL DOMINANT, TYPE 2N; CHARCOT-MARIE-TOOTH NEUROPATHY, AXONAL, TYPE 2N. Identifiers: Orphanet 228174, MedGen C2750090, MONDO:0013212, OMIM 613287.
Charcot-Marie-Tooth disease type 2. Also called: Charcot-Marie-Tooth type 2. Identifiers: Orphanet 64746, MedGen C0270914, MONDO:0018993.

Allele frequency attached by ClinVar (database versions not stated): TOPMed 0.00001.

Submissions (5):

Labcorp Genetics (formerly Invitae), Labcorp
Classification: Likely benign for Charcot-Marie-Tooth disease type 2. Last evaluated: 2025-08-23. Review status: criteria provided, single submitter. Criteria: Invitae Variant Classification Sherloc (09022015). Collection method: clinical testing. Allele origin: germline.

CeGaT Center for Human Genetics Tuebingen
Classification: Likely benign. Last evaluated: 2025-05-01. Review status: criteria provided, single submitter. Criteria: CeGaT Center For Human Genetics Tuebingen Variant Classification Criteria Version 2. Collection method: clinical testing. Allele origin: germline. Affected: yes. Observed: 1 variant allele.
Comment: AARS1: BP4, BP7

Blueprint Genetics
Classification: Likely benign. Last evaluated: 2024-04-18. Review status: criteria provided, single submitter. Criteria: ACMG Guidelines, 2015. Collection method: clinical testing. Allele origin: germline.

GeneDx
Classification: Likely benign. Last evaluated: 2018-04-09. Review status: criteria provided, single submitter. Criteria: GeneDx Variant Classification (06012015). Collection method: clinical testing. Allele origin: germline. Affected: yes.
Comment: This variant is considered likely benign or benign based on one or more of the following criteria: it is a conservative change, it occurs at a poorly conserved position in the protein, it is predicted to be benign by multiple in silico algorithms, and/or has population frequency not consistent with disease.

Illumina Laboratory Services, Illumina
Classification: Uncertain significance for Charcot-Marie-Tooth disease axonal type 2N. Last evaluated: 2018-01-12. Review status: criteria provided, single submitter. Criteria: ICSL Variant Classification Criteria 13 December 2019. Collection method: clinical testing. Allele origin: germline.

NM_001605.3(AARS1):c.342A>C (p.Ala114=)

Gene: AARS1 (alanyl-tRNA synthetase 1; minus strand). Cytogenetic location: 16q22.1.
Variant type: single nucleotide variant.
Coding change: c.342A>C on transcript NM_001605.3 (MANE Select); coding-DNA position 342, A replaced by C.
Protein change: p.Ala114=; no amino-acid change (alanine 114 retained).
Molecular consequence: synonymous variant.
Genome position (GRCh38, 1-based): chr16:70,276,623, T>G on the plus strand (A>C on the coding strand, the complement: AARS1 is on the minus strand). VCF-style: chr16-70276623-T-G. GRCh37 (hg19) VCF-style: chr16-70310526-T-G.
Identifiers: ClinVar variation 681412 (VCV000681412.23), dbSNP rs190680402, ClinGen allele CA8141153.
Genomic context (GRCh38, chr16:70,276,623, plus strand): 5'-ATAAAGTCTTTCAATGGGAATGCCAAACTCTTGGGTGAGGAGTTCCAGAGCCATCTTACA[T>G]GCCAATTCCTACAAAAAGAACAGAGAGAAAGATATGGAACATTGCCAAACCAAAATCTAT-3'
Protein context (NP_001596.2, residues 104-124): WSFGDYFKEL[Ala114=]CKMALELLTQ